The following is an entry in ClinVar:

ClinVar aggregate classification (germline): Uncertain significance. Review status: criteria provided, multiple submitters, no conflicts (2 of 4 stars). 2 submissions from 2 submitters: Uncertain significance (2). Last evaluated 2024-01-10.

Conditions:
Cardiovascular phenotype. Identifiers: MedGen CN230736.
Long QT syndrome (LQTS). Identifiers: MedGen C0023976, MeSH D008133, MONDO:0002442. Disease mechanism: loss of function. Inheritance: Various modes of inheritance.

Submissions (2):

Ambry Genetics
Classification: Uncertain significance for Cardiovascular phenotype. Last evaluated: 2024-01-10. Review status: criteria provided, single submitter. Criteria: Ambry Variant Classification Scheme 2023. Collection method: clinical testing. Allele origin: germline.
Comment: The p.S1898P variant (also known as c.5692T>C), located in coding exon 45 of the CACNA1C gene, results from a T to C substitution at nucleotide position 5692. The serine at codon 1898 is replaced by proline, an amino acid with similar properties. This amino acid position is highly conserved in available vertebrate species. In addition, the in silico prediction for this alteration is inconclusive. Since supporting evidence is limited at this time, the clinical significance of this alteration remains unclear.

Labcorp Genetics (formerly Invitae), Labcorp
Classification: Uncertain significance for Long QT syndrome. Last evaluated: 2020-02-19. Review status: criteria provided, single submitter. Criteria: Invitae Variant Classification Sherloc (09022015). Collection method: clinical testing. Allele origin: germline.
Comment: This sequence change replaces serine with proline at codon 1898 of the CACNA1C protein (p.Ser1898Pro). The serine residue is moderately conserved and there is a moderate physicochemical difference between serine and proline. This variant is not present in population databases (ExAC no frequency). This variant has not been reported in the literature in individuals with CACNA1C-related conditions. Algorithms developed to predict the effect of missense changes on protein structure and function are either unavailable or do not agree on the potential impact of this missense change (SIFT: "Tolerated"; PolyPhen-2: "Probably Damaging"; Align-GVGD: "Class C0"). In summary, the available evidence is currently insufficient to determine the role of this variant in disease. Therefore, it has been classified as a Variant of Uncertain Significance.

NM_000719.7(CACNA1C):c.5692T>C (p.Ser1898Pro)

Genes: CACNA1C (calcium voltage-gated channel subunit alpha1 C; plus strand), CACNA1C-AS1 (CACNA1C antisense RNA 1; minus strand). Cytogenetic location: 12p13.33.
Variant type: single nucleotide variant.
Coding change: c.5692T>C on transcript NM_000719.7 (MANE Select); coding-DNA position 5692, T replaced by C.
Protein change: p.Ser1898Pro; replaces serine 1898 with proline.
Molecular consequence: missense variant.
Genome position (GRCh38, 1-based): chr12:2,686,177, T>C. VCF-style: chr12-2686177-T-C. GRCh37 (hg19) VCF-style: chr12-2795343-T-C.
Other names: c.5836T>C, p.Ser1946Pro (NM_001129827.2); c.5815T>C, p.Ser1939Pro (NM_001129829.2); c.5797T>C, p.Ser1933Pro (NM_001129830.3, NM_001167624.3); c.5776T>C, p.Ser1926Pro (NM_001129831.2); c.5752T>C, p.Ser1918Pro (NM_001129832.2); c.5749T>C, p.Ser1917Pro (NM_001129833.2, NM_001129834.2, NM_001129835.2); c.5743T>C, p.Ser1915Pro (NM_001129836.2); c.5716T>C, p.Ser1906Pro (NM_001129837.2, NM_001129838.2); and 7 more; short protein forms S1898P, S1904P, S1915P, S1917P, S1926P, S1946P, S1895P, S1939P.
Identifiers: ClinVar variation 1035869 (VCV001035869.11), dbSNP rs2097473904, ClinGen allele CA383382477.
Genomic context (GRCh38, chr12:2,686,177, plus strand): 5'-AGTGCCCTGTTTTCCTGCCCTGATGGTGGCTCTCTGGCTGGCTTTGCAGGTCGAAGGGCC[T>C]CCTTCCACCTGGAATGTCTGAAGCGACAGAAGGACCGAGGGGGAGACATCTCTCAGAAGA-3'
Protein context (NP_000710.5, residues 1888-1908): LRSASLGRRA[Ser1898Pro]FHLECLKRQK